The following is an entry in ClinVar:

NM_001114122.3(CHEK1):c.39A>G (p.Gln13=)

Gene: CHEK1 (checkpoint kinase 1; plus strand). Cytogenetic location: 11q24.2.
Variant type: single nucleotide variant.
Coding change: c.39A>G on transcript NM_001114122.3 (MANE Select); coding-DNA position 39, A replaced by G.
Protein change: p.Gln13=; no amino-acid change (glutamine 13 retained).
Molecular consequence: synonymous variant. On other transcripts: 5 prime UTR variant (2), non-coding transcript variant (2).
Genome position (GRCh38, 1-based): chr11:125,626,807, A>G. VCF-style: chr11-125626807-A-G. GRCh37 (hg19) VCF-style: chr11-125496702-A-G.
Other names: c.39A>G, p.Gln13= (NM_001114121.2, NM_001244846.1, NM_001274.5); c.-41A>G (NM_001330427.2); c.-20A>G (NM_001330428.1).
Identifiers: ClinVar variation 3358460 (VCV003358460.2).

ClinVar aggregate classification (germline): Likely benign (1 of 4 stars; one submission).

Conditions:
CHEK1-related disorder. Also called: CHEK1-related condition.

Submission:

PreventionGenetics, part of Exact Sciences
Classification: Likely benign for CHEK1-related condition. Last evaluated: 2026-07-24. Review status: criteria provided, single submitter. Criteria: ACMG Guidelines, 2015. Collection method: clinical testing. Allele origin: germline.
Comment: This variant is classified as likely benign based on ACMG/AMP sequence variant interpretation guidelines (Richards et al. 2015 PMID: 25741868, with internal and published modifications).